The following is an entry in ClinVar:

ClinVar aggregate classification (germline): Pathogenic (1 of 4 stars; one submission).

Submission:

ISCA Site 6
Classification: Pathogenic. Last evaluated: 2011-08-12. Review status: criteria provided, single submitter. Criteria: Kaminsky et al. (Genet Med. 2011). Collection method: clinical testing. Allele origin: unknown. Affected: yes. Observed: 1 variant allele.
Comment: Copy number variation identified through the course of routine clinical cytogenomic testing in postnatal populations. Clinical assertions have been curated as described in Kaminsky et al. 2011.

GRCh38/hg38 15q13.2-13.3(chr15:30822844-32606466)x1

Genes: LINC02256 (long intergenic non-protein coding RNA 2256; plus strand), ARHGAP11A-DT (ARHGAP11A divergent transcript; minus strand), CHRNA7 (cholinergic receptor nicotinic alpha 7 subunit), FAN1 (FANCD2 and FANCI associated nuclease 1; plus strand), GOLGA8K (golgin A8 family member K) and 27 more. Cytogenetic location: 15q13.2-13.3.
Variant type: copy number loss.
Change: copy number 1 (one copy instead of two) of chr15:30,822,844-32,606,466 (1.78 Mb, GRCh38 coordinates, 1-based), cytogenetic band 15q13.2-13.3.
Identifiers: ClinVar variation 58698 (VCV000058698.2).